The following is an entry in ClinVar:

NM_030632.3(ASXL3):c.2153C>T (p.Pro718Leu)

Gene: ASXL3 (ASXL transcriptional regulator 3; plus strand). Cytogenetic location: 18q12.1.
Variant type: single nucleotide variant.
Coding change: c.2153C>T on transcript NM_030632.3 (MANE Select); coding-DNA position 2153, C replaced by T.
Protein change: p.Pro718Leu; replaces proline 718 with leucine.
Molecular consequence: missense variant.
Genome position (GRCh38, 1-based): chr18:33,739,557, C>T. VCF-style: chr18-33739557-C-T. GRCh37 (hg19) VCF-style: chr18-31319521-C-T.
Other names: short protein forms P718L.
Identifiers: ClinVar variation 1695715 (VCV001695715.2), dbSNP rs770319315, ClinGen allele CA8933873.

ClinVar aggregate classification (germline): Uncertain significance (1 of 4 stars; one submission).

Allele frequency attached by ClinVar (database versions not stated): TOPMed below 0.00001; gnomAD 0.00001; ExAC 0.00002; gnomAD exomes 0.00002.
gnomAD v4.1: 28 of 1,613,836 alleles (0.0017%); highest among the groups gnomAD compares: South Asian, 0.013%; no homozygotes.

Submission:

GeneDx
Classification: Uncertain significance. Last evaluated: 2022-01-10. Review status: criteria provided, single submitter. Criteria: GeneDx Variant Classification Process June 2021. Collection method: clinical testing. Allele origin: germline. Affected: yes.
Comment: In silico analysis supports that this missense variant has a deleterious effect on protein structure/function; Has not been previously published as pathogenic or benign to our knowledge